The following is an entry in ClinVar:

ClinVar aggregate classification (germline): Pathogenic (1 of 4 stars; one submission).

Conditions:
Charcot-Marie-Tooth disease type 4. Also called: Charcot-Marie-Tooth disease, type IV; Charcot-Marie-Tooth, Type 4. Identifiers: Orphanet 64749, MedGen C4082197, MONDO:0018995.

Submission:

Labcorp Genetics (formerly Invitae), Labcorp
Classification: Pathogenic for Charcot-Marie-Tooth disease type 4. Last evaluated: 2023-07-14. Review status: criteria provided, single submitter. Criteria: Invitae Variant Classification Sherloc (09022015). Collection method: clinical testing. Allele origin: germline.
Comment: For these reasons, this variant has been classified as Pathogenic. This variant disrupts a region of the SH3TC2 protein in which other variant(s) (p.Arg1171Cys) have been determined to be pathogenic (PMID: 23466821, 25429913, 30001926). This suggests that this is a clinically significant region of the protein, and that variants that disrupt it are likely to be disease-causing. ClinVar contains an entry for this variant (Variation ID: 1011026). This variant has not been reported in the literature in individuals affected with SH3TC2-related conditions. This variant is not present in population databases (gnomAD no frequency). This variant, c.3508_3516del, results in the deletion of 3 amino acid(s) of the SH3TC2 protein (p.His1170_Leu1172del), but otherwise preserves the integrity of the reading frame.

Literature cited by the submitters: PubMed 23466821; PubMed 25429913; PubMed 30001926.

NM_024577.4(SH3TC2):c.3508_3516del (p.His1170_Leu1172del)

Gene: SH3TC2 (SH3 domain and tetratricopeptide repeats 2; minus strand). Cytogenetic location: 5q32.
Variant type: Deletion.
Coding change: c.3508_3516del on transcript NM_024577.4 (MANE Select); coding-DNA positions 3508 to 3516, 9 bases deleted (CACCGCCTG; older notation c.3508_3516delCACCGCCTG).
Protein change: p.His1170_Leu1172del.
Molecular consequence: inframe deletion.
Genome position (GRCh38, 1-based): chr5:149,007,040-149,007,048, CAGGCGGTG deleted on the plus strand (CACCGCCTG on the coding strand, the reverse complement: SH3TC2 is on the minus strand). VCF-style (leftmost placement, unchanged base first): chr5-149007039-CCAGGCGGTG-C. GRCh37 (hg19) VCF-style: chr5-148386602-CCAGGCGGTG-C.
Identifiers: ClinVar variation 1011026 (VCV001011026.9), dbSNP rs1753702797, ClinGen allele CA1590303398.